The following is an entry in ClinVar:

NM_001845.6(COL4A1):c.144+33T>G

Gene: COL4A1 (collagen type IV alpha 1 chain; minus strand). Cytogenetic location: 13q34.
Variant type: single nucleotide variant.
Coding change: c.144+33T>G on transcript NM_001845.6 (MANE Select); 33 bases into the intron after coding-DNA position 144, T replaced by G.
Molecular consequence: intron variant.
Genome position (GRCh38, 1-based): chr13:110,242,642, A>C on the plus strand (T>G on the coding strand, the complement: COL4A1 is on the minus strand). VCF-style: chr13-110242642-A-C. GRCh37 (hg19) VCF-style: chr13-110894989-A-C.
Other names: c.144+33T>G (NM_001303110.2).
Identifiers: ClinVar variation 4535270 (VCV004535270.6).

ClinVar aggregate classification (germline): Likely benign (1 of 4 stars; one submission).

gnomAD v4.1: 75 of 1,608,622 alleles (0.0047%); highest among the groups gnomAD compares: Admixed American, 0.12%; no homozygotes.

Submission:

CeGaT Center for Human Genetics Tuebingen
Classification: Likely benign. Last evaluated: 2026-08-01. Review status: criteria provided, single submitter. Criteria: CeGaT Center For Human Genetics Tuebingen Variant Classification Criteria Version 2. Collection method: clinical testing. Allele origin: germline. Affected: yes. Observed: 2 variant alleles.
Comment: COL4A1: BP4, BP7, BS1